The following is an entry in ClinVar:

NM_001242882.2(NAXD):c.46+69G>C

Genes: NAXD (NAD(P)HX dehydratase; plus strand), NAXD-AS1 (NAXD antisense RNA 1; minus strand). Cytogenetic location: 13q34.
Variant type: single nucleotide variant.
Coding change: c.46+69G>C on transcript NM_001242882.2 (MANE Select); 69 bases into the intron after coding-DNA position 46, G replaced by C.
Molecular consequence: intron variant. On other transcripts: synonymous variant (2).
Genome position (GRCh38, 1-based): chr13:110,615,716, G>C. VCF-style: chr13-110615716-G-C. GRCh37 (hg19) VCF-style: chr13-111268063-G-C.
Other names: c.42G>C (NM_018210.3); c.42G>C, p.Ala14= (NM_001242881.2, NM_018210.4); c.56+69G>C (NM_001242883.2).
Identifiers: ClinVar variation 1657361 (VCV001657361.37), dbSNP rs201257355, ClinGen allele CA7051002.
Genomic context (GRCh38, chr13:110,615,716, plus strand): 5'-GATTCCATTTGGCCCGGGGATGGTCACACGCGCGGGGGCCGGAACTGCCGTCGCCGGCGC[G>C]GTCGTTGTCGCATTGCTCTCGGCCGCACTCGCGCTGTACGGGCCGCCACTGGACGCAGGT-3'

ClinVar aggregate classification (germline): Benign/Likely benign. Review status: criteria provided, multiple submitters, no conflicts (2 of 4 stars). 3 submissions from 3 submitters: Benign (1); Likely benign (1). 1 of the submissions does not count toward it. Last evaluated 2026-02-01.

Conditions:
NAXD-related disorder. Also called: NAXD-related condition.

Allele frequency attached by ClinVar (database versions not stated): 1000 Genomes Project 0.00120; 1000 Genomes Project 30x 0.00125; TOPMed 0.00176; gnomAD 0.00184 and 0.00192; ESP Exome Variant Server 0.00229; ExAC 0.00407.
gnomAD v4.1: 4,154 of 1,515,566 alleles (0.27%); highest among the groups gnomAD compares: Non-Finnish European, 0.33%; 16 homozygotes.

Submissions (3):

CeGaT Center for Human Genetics Tuebingen
Classification: Likely benign. Last evaluated: 2026-02-01. Review status: criteria provided, single submitter. Criteria: CeGaT Center For Human Genetics Tuebingen Variant Classification Criteria Version 2. Collection method: clinical testing. Allele origin: germline. Affected: yes. Observed: 9 variant alleles.
Comment: NAXD: BP4, BP7, BS2

Labcorp Genetics (formerly Invitae), Labcorp
Classification: Benign. Last evaluated: 2026-01-04. Review status: criteria provided, single submitter. Criteria: Invitae Variant Classification Sherloc (09022015). Collection method: clinical testing. Allele origin: germline.

PreventionGenetics, part of Exact Sciences
Classification: Likely benign for NAXD-related condition. Last evaluated: 2019-09-17. Review status: no assertion criteria provided. Collection method: clinical testing. Allele origin: germline. Not counted in ClinVar's aggregate classification.
Comment: This variant is classified as likely benign based on ACMG/AMP sequence variant interpretation guidelines (Richards et al. 2015 PMID: 25741868, with internal and published modifications).